The following is an entry in ClinVar:

ClinVar aggregate classification (germline): Uncertain significance (1 of 4 stars; one submission).

Submission:

Labcorp Genetics (formerly Invitae), Labcorp
Classification: Uncertain significance. Last evaluated: 2025-03-18. Review status: criteria provided, single submitter. Criteria: Invitae Variant Classification Sherloc (09022015). Collection method: clinical testing. Allele origin: germline.
Comment: This sequence change replaces alanine, which is neutral and non-polar, with glycine, which is neutral and non-polar, at codon 147 of the DGAT1 protein (p.Ala147Gly). This variant is not present in population databases (gnomAD no frequency). This variant has not been reported in the literature in individuals affected with DGAT1-related conditions. ClinVar contains an entry for this variant (Variation ID: 1476023). Invitae Evidence Modeling of protein sequence and biophysical properties (such as structural, functional, and spatial information, amino acid conservation, physicochemical variation, residue mobility, and thermodynamic stability) indicates that this missense variant is not expected to disrupt DGAT1 protein function with a negative predictive value of 80%. In summary, the available evidence is currently insufficient to determine the role of this variant in disease. Therefore, it has been classified as a Variant of Uncertain Significance.

NM_012079.6(DGAT1):c.440C>G (p.Ala147Gly)

Gene: DGAT1 (diacylglycerol O-acyltransferase 1; minus strand). Cytogenetic location: 8q24.3.
Variant type: single nucleotide variant.
Coding change: c.440C>G on transcript NM_012079.6 (MANE Select); coding-DNA position 440, C replaced by G.
Protein change: p.Ala147Gly; replaces alanine 147 with glycine.
Molecular consequence: missense variant.
Genome position (GRCh38, 1-based): chr8:144,318,727, G>C on the plus strand (C>G on the coding strand, the complement: DGAT1 is on the minus strand). VCF-style: chr8-144318727-G-C. GRCh37 (hg19) VCF-style: chr8-145542390-G-C.
Other names: short protein forms A147G.
Identifiers: ClinVar variation 1476023 (VCV001476023.6), dbSNP rs1588683045, ClinGen allele CA372612595.